The following is an entry in ClinVar:

ClinVar aggregate classification (germline): Uncertain significance. Review status: criteria provided, multiple submitters, no conflicts (2 of 4 stars). 2 submissions from 2 submitters: Uncertain significance (2). Last evaluated 2025-12-01.

Conditions:
Mevalonic aciduria (MEVA). Identifiers: Orphanet 29, MedGen C1959626, MONDO:0012481, OMIM 610377.
Hyperimmunoglobulin D with periodic fever (HIDS). Also called: Hyperimmunoglobulinemia D; HYPERIMMUNOGLOBULINEMIA D AND PERIODIC FEVER SYNDROME; Hyperimmunoglobulinemia D with periodic fever. Identifiers: Orphanet 343, MedGen C0398691, MONDO:0009849, OMIM 260920.
Porokeratosis 3, disseminated superficial actinic type (POROK3). Also called: POROKERATOSIS 3, MULTIPLE TYPES; POROKERATOSIS 3, MIBELLI TYPE; POROKERATOSIS, DISSEMINATED SUPERFICIAL ACTINIC, 1. Identifiers: MedGen C1867981, MONDO:0008293, OMIM 175900.

Allele frequency attached by ClinVar (database versions not stated): TOPMed below 0.00001.

Submissions (2):

Labcorp Genetics (formerly Invitae), Labcorp
Classification: Uncertain significance for Mevalonic aciduria; Hyperimmunoglobulin D with periodic fever; Porokeratosis 3, disseminated superficial actinic type. Last evaluated: 2025-12-01. Review status: criteria provided, single submitter. Criteria: Invitae Variant Classification Sherloc (09022015). Collection method: clinical testing. Allele origin: germline.
Comment: This sequence change replaces glycine, which is neutral and non-polar, with valine, which is neutral and non-polar, at codon 96 of the MVK protein (p.Gly96Val). This variant is not present in population databases (gnomAD no frequency). This variant has not been reported in the literature in individuals affected with MVK-related conditions. ClinVar contains an entry for this variant (Variation ID: 596661). Invitae Evidence Modeling of protein sequence and biophysical properties (such as structural, functional, and spatial information, amino acid conservation, physicochemical variation, residue mobility, and thermodynamic stability) indicates that this missense variant is expected to disrupt MVK protein function with a positive predictive value of 95%. In summary, the available evidence is currently insufficient to determine the role of this variant in disease. Therefore, it has been classified as a Variant of Uncertain Significance.

Eurofins Ntd Llc (ga)
Classification: Uncertain significance. Last evaluated: 2018-04-05. Review status: criteria provided, single submitter. Criteria: EGL ClinVar v180209 classification definitions. Collection method: clinical testing. Allele origin: germline. Observed: 1 variant allele, 1 heterozygote.

NM_000431.4(MVK):c.287G>T (p.Gly96Val)

Gene: MVK (mevalonate kinase; plus strand). Cytogenetic location: 12q24.11.
Variant type: single nucleotide variant.
Coding change: c.287G>T on transcript NM_000431.4 (MANE Select); coding-DNA position 287, G replaced by T.
Protein change: p.Gly96Val; replaces glycine 96 with valine.
Molecular consequence: missense variant.
Genome position (GRCh38, 1-based): chr12:109,579,862, G>T. VCF-style: chr12-109579862-G-T. GRCh37 (hg19) VCF-style: chr12-110017667-G-T.
Other names: c.287G>T, p.Gly96Val (NM_001114185.3, NM_001301182.2); short protein forms G96V.
Identifiers: ClinVar variation 596661 (VCV000596661.6), dbSNP rs1337856151, ClinGen allele CA386645484.